The following is an entry in ClinVar:

ClinVar aggregate classification (germline): Uncertain significance (1 of 4 stars; one submission).

Allele frequency attached by ClinVar (database versions not stated): TOPMed below 0.00001; gnomAD exomes 0.00001.
gnomAD v4.1: 6 of 1,613,918 alleles (0.00037%); highest among the groups gnomAD compares: Admixed American, 0.0083%; no homozygotes.

Submission:

Labcorp Genetics (formerly Invitae), Labcorp
Classification: Uncertain significance. Last evaluated: 2025-05-06. Review status: criteria provided, single submitter. Criteria: Invitae Variant Classification Sherloc (09022015). Collection method: clinical testing. Allele origin: germline.
Comment: This sequence change replaces aspartic acid, which is acidic and polar, with tyrosine, which is neutral and polar, at codon 1411 of the RP1 protein (p.Asp1411Tyr). This variant is not present in population databases (gnomAD no frequency). This variant has not been reported in the literature in individuals affected with RP1-related conditions. ClinVar contains an entry for this variant (Variation ID: 1053994). An algorithm developed to predict the effect of missense changes on protein structure and function (PolyPhen-2) suggests that this variant is likely to be tolerated. In summary, the available evidence is currently insufficient to determine the role of this variant in disease. Therefore, it has been classified as a Variant of Uncertain Significance.

NM_006269.2(RP1):c.4231G>T (p.Asp1411Tyr)

Gene: RP1 (RP1 axonemal microtubule associated; plus strand). Cytogenetic location: 8q12.1.
Variant type: single nucleotide variant.
Coding change: c.4231G>T on transcript NM_006269.2 (MANE Select); coding-DNA position 4231, G replaced by T.
Protein change: p.Asp1411Tyr; replaces aspartic acid 1411 with tyrosine.
Molecular consequence: missense variant. On other transcripts: intron variant (1).
Genome position (GRCh38, 1-based): chr8:54,628,113, G>T. VCF-style: chr8-54628113-G-T. GRCh37 (hg19) VCF-style: chr8-55540673-G-T.
Other names: c.787+5825G>T (NM_001375654.1); short protein forms D1411Y.
Identifiers: ClinVar variation 1053994 (VCV001053994.9), dbSNP rs1806129380, ClinGen allele CA370981741.